The following is an entry in ClinVar:

NM_001040142.2(SCN2A):c.5465C>T (p.Ala1822Val)

Gene: SCN2A (sodium voltage-gated channel alpha subunit 2; plus strand). Cytogenetic location: 2q24.3.
Variant type: single nucleotide variant.
Coding change: c.5465C>T on transcript NM_001040142.2 (MANE Select); coding-DNA position 5465, C replaced by T.
Protein change: p.Ala1822Val; replaces alanine 1822 with valine.
Molecular consequence: missense variant.
Genome position (GRCh38, 1-based): chr2:165,389,271, C>T. VCF-style: chr2-165389271-C-T. GRCh37 (hg19) VCF-style: chr2-166245781-C-T.
Other names: c.5465C>T, p.Ala1822Val (NM_001040143.2, NM_001371246.1, NM_001371247.1 and 1 more transcripts); short protein forms A1822V.
Identifiers: ClinVar variation 450222 (VCV000450222.11), dbSNP rs757542048, ClinGen allele CA1940394.
Genomic context (GRCh38, chr2:165,389,271, plus strand): 5'-GGGAGAAGTTTGATCCCGATGCGACCCAGTTTATAGAGTTTGCCAAACTTTCTGATTTTG[C>T]AGATGCCCTGGATCCTCCTCTTCTCATAGCAAAACCCAACAAAGTCCAGCTCATTGCCAT-3'
Protein context (NP_001035232.1, residues 1812-1832): FIEFAKLSDF[Ala1822Val]DALDPPLLIA

ClinVar aggregate classification (germline): Uncertain significance. Review status: criteria provided, multiple submitters, no conflicts (2 of 4 stars). 2 submissions from 2 submitters: Uncertain significance (2). Last evaluated 2026-01-30.

Conditions:
Developmental and epileptic encephalopathy, 11 (DEE11). Also called: Early infantile epileptic encephalopathy 11. Identifiers: Orphanet 1934, MedGen C3150987, MONDO:0013388, OMIM 613721.
Seizures, benign familial infantile, 3 (BFIS3). Also called: CONVULSIONS, BENIGN FAMILIAL INFANTILE, 3; Familial neonatal seizures. Identifiers: Orphanet 140927, Orphanet 306, MedGen C1843140, MONDO:0011904, OMIM 607745.

Allele frequency attached by ClinVar (database versions not stated): gnomAD exomes below 0.00001; ExAC 0.00001.

Submissions (2):

GeneDx
Classification: Uncertain significance. Last evaluated: 2026-01-30. Review status: criteria provided, single submitter. Criteria: GeneDx Variant Classification Process June 2021. Collection method: clinical testing. Allele origin: germline. Affected: yes.
Comment: Not observed at significant frequency in large population cohorts (gnomAD); In silico analysis supports that this missense variant has a deleterious effect on protein structure/function; This variant is associated with the following publications: (PMID: 15048894)

Labcorp Genetics (formerly Invitae), Labcorp
Classification: Uncertain significance for Seizures, benign familial infantile, 3; Developmental and epileptic encephalopathy, 11. Last evaluated: 2018-05-07. Review status: criteria provided, single submitter. Criteria: Invitae Variant Classification Sherloc (09022015). Collection method: clinical testing. Allele origin: germline.
Comment: This sequence change replaces alanine with valine at codon 1822 of the SCN2A protein (p.Ala1822Val). The alanine residue is highly conserved and there is a small physicochemical difference between alanine and valine. This variant is present in population databases (rs757542048, ExAC 0.009%). In summary, the available evidence is currently insufficient to determine the role of this variant in disease. Therefore, it has been classified as a Variant of Uncertain Significance. Algorithms developed to predict the effect of missense changes on protein structure and function (SIFT, PolyPhen-2, Align-GVGD) all suggest that this variant is likely to be disruptive, but these predictions have not been confirmed by published functional studies and their clinical significance is uncertain. This variant has been observed in two related individuals affected with benign familial infantile seizures (PMID: 15048894). ClinVar contains an entry for this variant (Variation ID: 450222).

Literature cited by the submitters: PubMed 15048894 (cited by Labcorp Genetics (formerly Invitae), Labcorp).